The following is an entry in ClinVar:

NM_000548.5(TSC2):c.3125C>A (p.Pro1042Gln)

Gene: TSC2 (TSC complex subunit 2; plus strand). Cytogenetic location: 16p13.3.
Variant type: single nucleotide variant.
Coding change: c.3125C>A on transcript NM_000548.5 (MANE Select); coding-DNA position 3125, C replaced by A.
Protein change: p.Pro1042Gln; replaces proline 1042 with glutamine.
Molecular consequence: missense variant.
Genome position (GRCh38, 1-based): chr16:2,079,190, C>A. VCF-style: chr16-2079190-C-A. GRCh37 (hg19) VCF-style: chr16-2129191-C-A.
Other names: c.2882C>A, p.Pro961Gln (NM_001406678.1); c.2846C>A, p.Pro949Gln (NM_001406679.1); c.2525C>A, p.Pro842Gln (NM_001406680.1, NM_001406682.1, NM_001406683.1); c.2534C>A, p.Pro845Gln (NM_001406681.1); c.2522C>A, p.Pro841Gln (NM_001406684.1); c.2396C>A, p.Pro799Gln (NM_001406685.1, NM_001406686.1); c.2393C>A, p.Pro798Gln (NM_001406687.1, NM_001318831.2, NM_001406688.1); c.2993C>A, p.Pro998Gln (NM_001077183.3, NM_001370404.1, NM_001406665.1); and 18 more; short protein forms P1005Q, P1009Q, P841Q, P842Q, P845Q, P1041Q, P594Q, P949Q.
Identifiers: ClinVar variation 2199354 (VCV002199354.5), dbSNP rs745731000, ClinGen allele CA394284966.

ClinVar aggregate classification (germline): Conflicting classifications of pathogenicity. Review status: criteria provided, conflicting classifications (1 of 4 stars). 2 submissions from 2 submitters: Uncertain significance (1); Likely benign (1). Last evaluated 2023-11-02.

Conditions:
Tuberous sclerosis 2 (TSC2). Identifiers: Orphanet 805, MedGen C1860707, MONDO:0013199, OMIM 613254.
Tuberous sclerosis syndrome (TSC). Also called: Tuberous Sclerosis Complex; Tuberous sclerosis. Identifiers: Orphanet 805, MedGen C0041341, MONDO:0001734.

Allele frequency attached by ClinVar (database versions not stated): TOPMed below 0.00001.

Submissions (2):

All of Us Research Program, National Institutes of Health
Classification: Uncertain significance for Tuberous sclerosis syndrome. Last evaluated: 2023-11-02. Review status: criteria provided, single submitter. Criteria: ACMG Guidelines, 2015. Collection method: clinical testing. Allele origin: germline. Inheritance: Autosomal dominant inheritance. Observed: 1 variant allele, 1 heterozygote.
Comment: This missense variant replaces proline with glutamine at codon 1042 of the TSC2 protein. Computational prediction suggests that this variant may have deleterious impact on protein structure and function (internally defined REVEL score threshold >= 0.7, PMID: 27666373). To our knowledge, functional studies have not been reported for this variant. This variant has not been reported in individuals affected with TSC2-related disorders in the literature. This variant has been identified in 1/250364 chromosomes in the general population by the Genome Aggregation Database (gnomAD). The available evidence is insufficient to determine the role of this variant in disease conclusively. Therefore, this variant is classified as a Variant of Uncertain Significance.

This study involves interpretation of variants in research participants for the purpose of population health screening. Participant phenotype was not available at the time of variant classification. Additional details can be found in publication PMID: 35346344, PMCID: PMC8962531

Labcorp Genetics (formerly Invitae), Labcorp
Classification: Likely benign for Tuberous sclerosis 2. Last evaluated: 2023-07-03. Review status: criteria provided, single submitter. Criteria: Invitae Variant Classification Sherloc (09022015). Collection method: clinical testing. Allele origin: germline.